The following is an entry in ClinVar:

ClinVar aggregate classification (germline): Uncertain significance (1 of 4 stars; one submission).

Conditions:
Spastic ataxia 2. Also called: Ataxia, spastic, 2, autosomal recessive. Identifiers: Orphanet 397946, MedGen C1969796, MONDO:0012651, OMIM 611302.

Allele frequency attached by ClinVar (database versions not stated): gnomAD 0.00001; gnomAD exomes 0.00001 and 0.00002; ExAC 0.00002; TOPMed 0.00003; 1000 Genomes Project 30x 0.00016; 1000 Genomes Project 0.00020.
gnomAD v4.1: 18 of 1,612,362 alleles (0.0011%); highest among the groups gnomAD compares: East Asian, 0.013%; no homozygotes.

Submission:

Labcorp Genetics (formerly Invitae), Labcorp
Classification: Uncertain significance for Spastic ataxia 2. Last evaluated: 2019-12-27. Review status: criteria provided, single submitter. Criteria: Invitae Variant Classification Sherloc (09022015). Collection method: clinical testing. Allele origin: germline.
Comment: Nucleotide substitutions within the consensus splice site are a relatively common cause of aberrant splicing (PMID: 17576681, 9536098). Algorithms developed to predict the effect of sequence changes on RNA splicing suggest that this variant may disrupt the consensus splice site, but this prediction has not been confirmed by published transcriptional studies. This variant has not been reported in the literature in individuals with KIF1C-related conditions. This variant is present in population databases (rs191292171, ExAC 0.01%). This sequence change falls in intron 17 of the KIF1C gene. It does not directly change the encoded amino acid sequence of the KIF1C protein, but it affects a nucleotide within the consensus splice site of the intron. In summary, the available evidence is currently insufficient to determine the role of this variant in disease. Therefore, it has been classified as a Variant of Uncertain Significance.

Literature cited by the submitters: PubMed 17576681; PubMed 9536098.

NM_006612.6(KIF1C):c.1571+5C>T

Gene: KIF1C (kinesin family member 1C; plus strand). Cytogenetic location: 17p13.2.
Variant type: single nucleotide variant.
Coding change: c.1571+5C>T on transcript NM_006612.6 (MANE Select); 5 bases into the intron after coding-DNA position 1571, C replaced by T.
Molecular consequence: intron variant.
Genome position (GRCh38, 1-based): chr17:5,013,737, C>T. VCF-style: chr17-5013737-C-T. GRCh37 (hg19) VCF-style: chr17-4917032-C-T.
Identifiers: ClinVar variation 838308 (VCV000838308.8), dbSNP rs191292171, ClinGen allele CA8319032.
Genomic context (GRCh38, chr17:5,013,737, plus strand): 5'-GAAGACCCTCTGATGTCTGAGTGTCTGCTCTACCACATCAAAGATGGCGTCACCAGGTAG[C>T]GTGTACCCAGCGGCCTGGGGGGCAGCCTCTGCTTTTGGGGTGTGGCTGCCAAGGGTTGTC-3'